The following is an entry in ClinVar:

ClinVar aggregate classification (germline): Pathogenic (1 of 4 stars; one submission).

Submission:

GeneDx
Classification: Pathogenic. Last evaluated: 2016-01-11. Review status: criteria provided, single submitter. Criteria: GeneDx Variant Classification (06012015). Collection method: clinical testing. Allele origin: germline. Affected: yes.
Comment: The c.606_608delTGA pathogenic variant in the RPS6KA3 gene has been reported previously in one family and one unrelated individual with Coffin-Lowry syndrome (Field et al., 2006; Delaunoy et al., 2006). The c.606_608delTGA variant causes an in-frame deletion of the codon Aspartic acid 202, denoted p.Asp202del. The c.606_608delTGA variant was not observed in approximately 6,400 individuals of European and African American ancestry in the NHLBI Exome Sequencing Project, indicating it is not a common benign variant in these populations. This deletion occurs at a position that is conserved across species. We interpret c.606_608delTGA as a pathogenic variant.

NM_004586.3(RPS6KA3):c.603TGA[1] (p.Asp202del)

Gene: RPS6KA3 (ribosomal protein S6 kinase A3; minus strand). Cytogenetic location: Xp22.12.
Variant type: Microsatellite.
Coding change: c.603TGA[1] on transcript NM_004586.3 (MANE Select); one copy of the 3-base unit TGA starting at c.603; the reference has two copies in a row; one copy, 3 bases deleted.
Protein change: p.Asp202del; deletes aspartic acid 202.
Molecular consequence: inframe deletion.
Genome position (GRCh38, 1-based): chrX:20,188,520-20,188,522, TCA deleted on the plus strand (TGA on the coding strand, the reverse complement: RPS6KA3 is on the minus strand); deleting any 3 consecutive bases within chrX:20,188,520-20,188,525 gives the same sequence; the position shown is the placement nearest the transcript's 3' end. VCF-style (leftmost placement, unchanged base first): chrX-20188519-TTCA-T. GRCh37 (hg19) VCF-style: chrX-20206637-TTCA-T.
Other names: short protein forms D202del.
Identifiers: ClinVar variation 280029 (VCV000280029.2), dbSNP rs886041330, ClinGen allele CA10603613.